The following is an entry in ClinVar:

ClinVar aggregate classification (germline): Likely pathogenic. Review status: reviewed by expert panel (3 of 4 stars). 5 submissions from 5 submitters: Likely pathogenic (1). 4 of the submissions do not count toward it. Last evaluated 2023-11-14.

Conditions:
Histiocytic medullary reticulosis. Also called: SEVERE COMBINED IMMUNODEFICIENCY WITH HYPEREOSINOPHILIA; Omenn syndrome. Identifiers: Orphanet 39041, MedGen C2700553, MONDO:0011338, OMIM 603554.
Athabaskan severe combined immunodeficiency (SCIDA). Also called: Severe combined immunodeficiency, athabascan-type. Identifiers: MedGen C1865370.
Severe combined immunodeficiency due to DCLRE1C deficiency (RS-SCID). Also called: SCID, AUTOSOMAL RECESSIVE, T CELL-NEGATIVE, B CELL-NEGATIVE, NK CELL-POSITIVE, WITH SENSITIVITY TO IONIZING RADIATION. Identifiers: Orphanet 275, MedGen C1865371, MONDO:0011225, OMIM 602450.
Severe combined immunodeficiency disease. Also called: Severe Combined Immune Deficiency; Severe combined immunodeficiency. Identifiers: Orphanet 183660, MedGen C0085110, MeSH D016511, MONDO:0015974, HP:0004430. Inheritance: X-Linked or Autosomal recessive.

Allele frequency attached by ClinVar (database versions not stated): gnomAD exomes below 0.00001; gnomAD 0.00001; TOPMed below 0.00001.
gnomAD v4.1: 4 of 1,613,896 alleles (0.00025%); highest among the groups gnomAD compares: Non-Finnish European, 0.000085%; no homozygotes.

Submissions (5):

ClinGen Severe Combined Immunodeficiency Variant Curation Expert Panel, ClinGen
Classification: Likely pathogenic for Severe combined immunodeficiency due to DCLRE1C deficiency. Last evaluated: 2023-11-14. Review status: reviewed by expert panel. Criteria: ClinGen SCID ACMG Specifications DCLRE1C V1.0.0. Collection method: curation. Allele origin: germline. Inheritance: Autosomal recessive inheritance.
Comment: The c.47T>C (NM_001033855.3) variant in DCLRE1C is a missense variant predicted to cause substitution of Isoleucine by Tryptophan at amino acid 16 (p.Ile16Thr). This variant is absent from gnomAD v2.1.1 (PM2_Supporting). Activity levels in % of WT activity = Recombination: Mean (SD): 79.67 (0.27) and DNA repair (36h after IR): Mean (SD): 80.11 (18.11). The results are bigger than our established threshold for abnormal results (defined as <25% of wild-type activity). Thus, PS3 is NOT Met (PMID: 25917813). At least one patient with this variant displayed Diagnostic criteria for SCID: 0.5pts + T-B-NK+ lymphocyte subset profile: 0.5 pts + Increased cellular radiosensitivity: 0.5pts = Total 1.5 pts, PP4 met, which is highly specific for SCID (PP4 Met) PMIDs: 15770702 and 25917813. Not reported in the literature, but this variant was identified in one patient at Invitae with a clinical diagnosis of SCID (0.5 pts) + a 207 genes immunodeficiency panel ordered, which included all known SCID genes (0.5 points) + severe T and B cell lymphopenia with normal NK cells (CD3: 13, CD19: 0, CD56: 753), consistent with T-B-NK+ SCID (0.5 pts) = totalizing 1.5 pts, PP4 met. Patient 5 is a compound heterozygous with S119X (Pathogenic according to the SCID VCEP specifications, 1 pt, PM3 Met. PMID: 15770702). Not reported in the literature, but this variant was identified in one patient at Invitae with a clinical diagnosis of SCID. In this patient, the variant co-occurred - in trans - confirmed by parental testing - with DCLRE1C deletion (Exons 1-3), pathogenic according to the SCID VCEP specifications: 1 pt. Total: 1+1: 2 pts, PM3_Strong. In summary, this variant meets the criteria to be classified as Likely Pathogenic for autosomal recessive SCID based on the ACMG/AMP criteria applied, as specified by the ClinGen SCID VCEP. Criteria applied: PM3_Strong, PM2_supporting, PP4 (VCEP specifications version 1).

Women's Health and Genetics/Laboratory Corporation of America, LabCorp
Classification: Likely pathogenic for Severe combined immunodeficiency disease. Last evaluated: 2025-04-20. Review status: criteria provided, single submitter. Criteria: LabCorp Variant Classification Summary - May 2015. Collection method: clinical testing. Allele origin: germline. Not counted in ClinVar's aggregate classification.
Comment: Variant summary: DCLRE1C c.47T>C (p.Ile16Thr) results in a non-conservative amino acid change located in the Metallo-beta-lactamase domain (Musio_2005, Felgentreff_2015) of the encoded protein sequence. Five of five in-silico tools predict a damaging effect of the variant on protein function. The variant was absent in 251244 control chromosomes. c.47T>C has been observed in in at least three compound heterozygous individuals affected with Severe Combined Immunodeficiency (e.g., Musio_2005, Felgentreff_2015, Cowan_2022, internal testing). At least two publications report experimental evidence evaluating an impact on protein function. The most pronounced variant effect results in increased genomic instability and an approximately 20% reduction in recombination activity and DNA repair activity relative to wild-type in vitro (e.g., Musio_2005, Felgentreff_2015). The following publications have been ascertained in the context of this evaluation (PMID: 36546626, 25917813, 15770702). ClinVar contains an entry for this variant (Variation ID: 1069380). Based on the evidence outlined above, the variant was classified as likely pathogenic.

Natera, Inc.
Classification: Likely pathogenic for Athabascan severe combined immunodeficiency. Last evaluated: 2024-09-06. Review status: criteria provided, single submitter. Criteria: Natera Variant Classification Schema (03/2026). Collection method: clinical testing. Allele origin: germline. Not counted in ClinVar's aggregate classification.
Comment: The c.47T>C variant in DCLRE1C is a missense variant predicted to cause substitution of isoleucine to threonine at amino acid 16. This variant is rare in the general population with a frequency below the threshold expected for the associated phenotype(s). This variant has been observed in one or more individuals affected with the associated recessive disease, as either homozygous or compound heterozygous with a second variant (PMID: 36546626, 15770702). This variant has been identified in one or more affected individuals with a phenotype highly consistent with the associated gene (PMID: 15770702). Computational prediction algorithms indicate this variant is likely to affect gene or protein function. Given the available evidence, this variant is classified as Likely Pathogenic.

Labcorp Genetics (formerly Invitae), Labcorp
Classification: Pathogenic for Athabaskan severe combined immunodeficiency. Last evaluated: 2024-01-19. Review status: criteria provided, single submitter. Criteria: Invitae Variant Classification Sherloc (09022015). Collection method: clinical testing. Allele origin: germline. Not counted in ClinVar's aggregate classification.
Comment: This sequence change replaces isoleucine, which is neutral and non-polar, with threonine, which is neutral and polar, at codon 16 of the DCLRE1C protein (p.Ile16Thr). This variant is not present in population databases (gnomAD no frequency). This missense change has been observed in individual(s) with severe combined immunodeficiency (PMID: 15770702; Invitae). In at least one individual the data is consistent with being in trans (on the opposite chromosome) from a pathogenic variant. ClinVar contains an entry for this variant (Variation ID: 1069380). An algorithm developed to predict the effect of missense changes on protein structure and function (PolyPhen-2) suggests that this variant is likely to be disruptive. Experimental studies have shown that this missense change affects DCLRE1C function (PMID: 15770702, 25917813). For these reasons, this variant has been classified as Pathogenic.

Baylor Genetics
Classification: Pathogenic for Histiocytic medullary reticulosis. Last evaluated: 2023-12-22. Review status: criteria provided, single submitter. Criteria: ACMG Guidelines, 2015. Collection method: clinical testing. Allele origin: unknown. Not counted in ClinVar's aggregate classification.

Literature cited by the submitters: PubMed 15770702 (cited by 3 submitters); PubMed 25917813 (cited by Women's Health and Genetics/Laboratory Corporation of America, LabCorp and Labcorp Genetics (formerly Invitae), Labcorp); PubMed 36546626 (cited by Women's Health and Genetics/Laboratory Corporation of America, LabCorp and Natera, Inc.).

NM_001033855.3(DCLRE1C):c.47T>C (p.Ile16Thr)

Gene: DCLRE1C (DNA cross-link repair 1C; minus strand). Cytogenetic location: 10p13.
Variant type: single nucleotide variant.
Coding change: c.47T>C on transcript NM_001033855.3 (MANE Select); coding-DNA position 47, T replaced by C.
Protein change: p.Ile16Thr; replaces isoleucine 16 with threonine.
Molecular consequence: missense variant. On other transcripts: 5 prime UTR variant (9), non-coding transcript variant (4).
Genome position (GRCh38, 1-based): chr10:14,953,964, A>G on the plus strand (T>C on the coding strand, the complement: DCLRE1C is on the minus strand). VCF-style: chr10-14953964-A-G. GRCh37 (hg19) VCF-style: chr10-14995963-A-G.
Other names: NM_001033855.3(DCLRE1C):c.47T>C; p.Ile16Thr; c.-399T>C (NM_001033857.3, NM_001350967.2); c.-721T>C (NM_001033858.3); c.-158T>C (NM_001289076.2); c.-445T>C (NM_001289077.2); c.-191T>C (NM_001289078.2, NM_001350966.2); c.-767T>C (NM_001289079.2); and 3 more; short protein forms I16T.
Identifiers: ClinVar variation 1069380 (VCV001069380.12), dbSNP rs1317003987, ClinGen allele CA376065954.
Genomic context (GRCh38, chr10:14,953,964, plus strand): 5'-TTGTGGCAGTGGGACAGGAAGTAGGCGCGGGCCCTCAGGTTCTCCCTATCGAAGCGGTCT[A>G]TGGAGATAGTTGGATACTCGGCCATCTGCCCCTCGAAAGAACTCATAGCGCCGCCGATCC-3'
Protein context (NP_001029027.1, residues 6-26): GQMAEYPTIS[Ile16Thr]DRFDRENLRA